The following is an entry in ClinVar:

ClinVar aggregate classification (germline): Uncertain significance (1 of 4 stars; one submission).

Conditions:
PHF3-related disorder. Also called: PHF3-related condition.

Submission:

PreventionGenetics, part of Exact Sciences
Classification: Uncertain significance for PHF3-related condition. Last evaluated: 2023-07-14. Review status: criteria provided, single submitter. Criteria: ACMG Guidelines, 2015. Collection method: clinical testing. Allele origin: germline.
Comment: The PHF3 c.2414_2415delinsAA variant is predicted to result in an in-frame deletion and insertion. To our knowledge, this variant has not been reported in the literature or in a large population database, indicating this variant is rare. At this time, the clinical significance of this variant is uncertain due to the absence of conclusive functional and genetic evidence.

NM_001370348.2(PHF3):c.2414_2415inv (p.Leu805Gln)

Gene: PHF3 (PHD finger protein 3; plus strand). Cytogenetic location: 6q12.
Variant type: Inversion.
Coding change: c.2414_2415inv on transcript NM_001370348.2 (MANE Select).
Protein change: p.Leu805Gln; replaces leucine 805 with glutamine.
Molecular consequence: missense variant.
Genome position: GRCh38 VCF-style: chr6-63691961-TT-AA. GRCh37 (hg19) VCF-style: chr6-64401851-TT-AA.
Other names: c.2150_2151inv, p.Leu717Gln (NM_001290259.2, NM_001370349.2); c.221_222inv, p.Leu74Gln (NM_001370350.2); c.2414_2415inv, p.Leu805Gln (NM_015153.4); short protein forms L717Q, L74Q, L805Q.
Identifiers: ClinVar variation 2631350 (VCV002631350.1), ClinGen allele CA2695198243.
Genomic context (GRCh38, chr6:63,691,961, plus strand): 5'-TGGAAAACCAAGCTACAGTTGAATTCCATAGTGGAGATAAAACAATGGAGTGTGAAAAGC[TT>AA]GGATTATCAAAACACACAACAAATGATAGAACCAAATATATAGATGATACAGTGAAGCAC-3'
Protein context (NP_001357277.1, residues 795-815): SGDKTMECEK[Leu805Gln]GLSKHTTNDR